The following is an entry in ClinVar:

ClinVar aggregate classification (germline): Uncertain significance (1 of 4 stars; one submission).

Submission:

GeneDx
Classification: Uncertain significance. Last evaluated: 2024-10-28. Review status: criteria provided, single submitter. Criteria: GeneDx Variant Classification Process June 2021. Collection method: clinical testing. Allele origin: germline. Affected: yes.
Comment: Not observed at significant frequency in large population cohorts (gnomAD); In silico analysis supports that this missense variant has a deleterious effect on protein structure/function; Has not been previously published as pathogenic or benign to our knowledge

NM_000182.5(HADHA):c.1372G>T (p.Val458Leu)

Genes: GAREM2 (GRB2 associated regulator of MAPK1 subtype 2; plus strand), HADHA (hydroxyacyl-CoA dehydrogenase trifunctional multienzyme complex subunit alpha; minus strand). Cytogenetic location: 2p23.3.
Variant type: single nucleotide variant.
Coding change: c.1372G>T on transcript NM_000182.5 (MANE Select); coding-DNA position 1372, G replaced by T.
Protein change: p.Val458Leu; replaces valine 458 with leucine.
Molecular consequence: missense variant.
Genome position (GRCh38, 1-based): chr2:26,201,169, C>A on the plus strand (G>T on the coding strand, the complement: HADHA is on the minus strand). VCF-style: chr2-26201169-C-A. GRCh37 (hg19) VCF-style: chr2-26424038-C-A.
Other names: short protein forms V458L.
Identifiers: ClinVar variation 3893635 (VCV003893635.1).
Genomic context (GRCh38, chr2:26,201,169, plus strand): 5'-TCACTACACTAGGATTCAAGTACAACAGCCCCTTGCTTACCGCTTCTACTTCCTTTAGCA[C>A]TCTGTGCTTAAGACTAAGGTCCTCAAACACAGCTTCAATCACCATGTCGGCCTTTTCAAA-3'
Protein context (NP_000173.2, residues 448-468): VFEDLSLKHR[Val458Leu]LKEVEAVIPD